The following is an entry in ClinVar:

ClinVar aggregate classification (germline): Uncertain significance (1 of 4 stars; one submission).

Submission:

Labcorp Genetics (formerly Invitae), Labcorp
Classification: Uncertain significance. Last evaluated: 2025-08-04. Review status: criteria provided, single submitter. Criteria: Invitae Variant Classification Sherloc (09022015). Collection method: clinical testing. Allele origin: germline.
Comment: This sequence change replaces alanine, which is neutral and non-polar, with proline, which is neutral and non-polar, at codon 84 of the AVPR2 protein (p.Ala84Pro). This variant is not present in population databases (gnomAD no frequency). This missense change has been observed in individual(s) with diabetes insipidus (internal data). Invitae Evidence Modeling of protein sequence and biophysical properties (such as structural, functional, and spatial information, amino acid conservation, physicochemical variation, residue mobility, and thermodynamic stability) indicates that this missense variant is expected to disrupt AVPR2 protein function with a positive predictive value of 80%. In summary, the available evidence is currently insufficient to determine the role of this variant in disease. Therefore, it has been classified as a Variant of Uncertain Significance.

NM_000054.7(AVPR2):c.250G>C (p.Ala84Pro)

Gene: AVPR2 (arginine vasopressin receptor 2; plus strand). Cytogenetic location: Xq28.
Variant type: single nucleotide variant.
Coding change: c.250G>C on transcript NM_000054.7 (MANE Select); coding-DNA position 250, G replaced by C.
Protein change: p.Ala84Pro; replaces alanine 84 with proline.
Molecular consequence: missense variant.
Genome position (GRCh38, 1-based): chrX:153,905,756, G>C. VCF-style: chrX-153905756-G-C. GRCh37 (hg19) VCF-style: chrX-153171210-G-C.
Other names: c.250G>C, p.Ala84Pro (NM_001146151.3); short protein forms A84P.
Identifiers: ClinVar variation 4743648 (VCV004743648.1).